The following is an entry in ClinVar:

ClinVar aggregate classification (germline): Uncertain significance (1 of 4 stars; one submission).

Conditions:
Progressive sclerosing poliodystrophy (MTDPS4A). Also called: ALPERS PROGRESSIVE INFANTILE POLIODYSTROPHY; ALPERS DIFFUSE DEGENERATION OF CEREBRAL GRAY MATTER WITH HEPATIC CIRRHOSIS; Alpers-Huttenlocher Syndrome; NEURONAL DEGENERATION OF CHILDHOOD WITH LIVER DISEASE, PROGRESSIVE; Alpers Syndrome; Mitochondrial DNA Depletion Syndrome 4A. Identifiers: Orphanet 726, MedGen C0205710, MONDO:0008758, OMIM 203700.

gnomAD v4.1: 2 of 1,589,364 alleles (0.00013%); highest among the groups gnomAD compares: Non-Finnish European, 0.00017%; no homozygotes.

Submission:

Labcorp Genetics (formerly Invitae), Labcorp
Classification: Uncertain significance for Progressive sclerosing poliodystrophy. Last evaluated: 2022-12-09. Review status: criteria provided, single submitter. Criteria: Invitae Variant Classification Sherloc (09022015). Collection method: clinical testing. Allele origin: germline.
Comment: In summary, the available evidence is currently insufficient to determine the role of this variant in disease. Therefore, it has been classified as a Variant of Uncertain Significance. Advanced modeling of protein sequence and biophysical properties (such as structural, functional, and spatial information, amino acid conservation, physicochemical variation, residue mobility, and thermodynamic stability) performed at Invitae indicates that this missense variant is expected to disrupt POLG protein function. ClinVar contains an entry for this variant (Variation ID: 1001886). This missense change has been observed in individual(s) with autosomal recessive mitochondrial ataxia syndrome (PMID: 25488682). This variant is not present in population databases (gnomAD no frequency). This sequence change replaces aspartic acid, which is acidic and polar, with tyrosine, which is neutral and polar, at codon 122 of the POLG protein (p.Asp122Tyr).

Literature cited by the submitters: PubMed 25488682.

NM_002693.3(POLG):c.364G>T (p.Asp122Tyr)

Genes: POLGARF (POLG alternative reading frame; minus strand), POLG (DNA polymerase gamma, catalytic subunit; minus strand). Cytogenetic location: 15q26.1.
Variant type: single nucleotide variant.
Coding change: c.364G>T on transcript NM_002693.3 (MANE Select); coding-DNA position 364, G replaced by T.
Protein change: p.Asp122Tyr; replaces aspartic acid 122 with tyrosine.
Molecular consequence: missense variant.
Genome position (GRCh38, 1-based): chr15:89,333,391, C>A on the plus strand (G>T on the coding strand, the complement: POLG is on the minus strand). VCF-style: chr15-89333391-C-A. GRCh37 (hg19) VCF-style: chr15-89876622-C-A.
Other names: c.364G>T, p.Asp122Tyr (NM_001126131.2); short protein forms D122Y.
Identifiers: ClinVar variation 1001886 (VCV001001886.9), dbSNP rs2055621716, ClinGen allele CA393772315.
Genomic context (GRCh38, chr15:89,333,391, plus strand): 5'-GGAGGCGGAAGTGCTGGTCCAGGTTGTCCCCGTAGAGGGGCGGCAGGCGCAGCTCCACGT[C>A]GGGCAAGGGCACGGCTGGCTGCCCCCAGAGCCCGTGCTTCTGCAGGTGCTCGACGCTGCG-3'
Protein context (NP_002684.1, residues 112-132): LWGQPAVPLP[Asp122Tyr]VELRLPPLYG